The following is an entry in ClinVar:

ClinVar aggregate classification (germline): Uncertain significance (1 of 4 stars; one submission).

Submission:

Labcorp Genetics (formerly Invitae), Labcorp
Classification: Uncertain significance. Last evaluated: 2023-03-21. Review status: criteria provided, single submitter. Criteria: Invitae Variant Classification Sherloc (09022015). Collection method: clinical testing. Allele origin: germline.
Comment: An algorithm developed to predict the effect of missense changes on protein structure and function (PolyPhen-2) suggests that this variant is likely to be tolerated. ClinVar contains an entry for this variant (Variation ID: 1062478). This variant has not been reported in the literature in individuals affected with MSH3-related conditions. This variant is not present in population databases (gnomAD no frequency). This sequence change replaces aspartic acid, which is acidic and polar, with valine, which is neutral and non-polar, at codon 479 of the MSH3 protein (p.Asp479Val). In summary, the available evidence is currently insufficient to determine the role of this variant in disease. Therefore, it has been classified as a Variant of Uncertain Significance.

NM_002439.5(MSH3):c.1436A>T (p.Asp479Val)

Gene: MSH3 (mutS homolog 3; plus strand). Cytogenetic location: 5q14.1.
Variant type: single nucleotide variant.
Coding change: c.1436A>T on transcript NM_002439.5 (MANE Select); coding-DNA position 1436, A replaced by T.
Protein change: p.Asp479Val; replaces aspartic acid 479 with valine.
Molecular consequence: missense variant.
Genome position (GRCh38, 1-based): chr5:80,725,548, A>T. VCF-style: chr5-80725548-A-T. GRCh37 (hg19) VCF-style: chr5-80021367-A-T.
Other names: short protein forms D479V.
Identifiers: ClinVar variation 1062478 (VCV001062478.7), dbSNP rs1485170914, ClinGen allele CA360273703.